The following is an entry in ClinVar:

ClinVar aggregate classification (germline): Likely benign. Review status: criteria provided, multiple submitters, no conflicts (2 of 4 stars). 4 submissions from 4 submitters: Likely benign (3). 1 of the submissions does not count toward it. Last evaluated 2026-01-27.

Conditions:
NLRP1-related disorder. Also called: NLRP1-related condition.
Vitiligo-associated multiple autoimmune disease susceptibility 1 (VAMAS1). Also called: SYSTEMIC LUPUS ERYTHEMATOSUS, VITILIGO-RELATED. Identifiers: Orphanet 247871, MedGen C1847835, MONDO:0011684, OMIM 606579.
Respiratory papillomatosis, juvenile recurrent, congenital. Identifiers: MedGen C5394112, MONDO:0032925, OMIM 618803.
Autoinflammation with arthritis and dyskeratosis (AIADK). Identifiers: MedGen C4479278, MONDO:0060457, OMIM 617388.
Corneal intraepithelial dyskeratosis-palmoplantar hyperkeratosis-laryngeal dyskeratosis syndrome. Also called: Palmoplantar carcinoma, multiple self-healing. Identifiers: Orphanet 352662, MedGen C3808876, MONDO:0014089, OMIM 615225.

Allele frequency attached by ClinVar (database versions not stated): 1000 Genomes Project 0.00020; ESP Exome Variant Server 0.00023; 1000 Genomes Project 30x 0.00031; TOPMed 0.00034; gnomAD 0.00036 and 0.00038; gnomAD exomes 0.00047 and 0.00060; ExAC 0.00052.
gnomAD v4.1: 910 of 1,597,658 alleles (0.057%); highest among the groups gnomAD compares: South Asian, 0.14%; 1 homozygote.

Submissions (4):

Labcorp Genetics (formerly Invitae), Labcorp
Classification: Likely benign. Last evaluated: 2026-01-27. Review status: criteria provided, single submitter. Criteria: Invitae Variant Classification Sherloc (09022015). Collection method: clinical testing. Allele origin: germline.

Blueprint Genetics
Classification: Likely benign. Last evaluated: 2024-11-18. Review status: criteria provided, single submitter. Criteria: ACMG Guidelines, 2015. Collection method: clinical testing. Allele origin: germline.

Fulgent Genetics
Classification: Likely benign for Vitiligo-associated multiple autoimmune disease susceptibility 1; Corneal intraepithelial dyskeratosis-palmoplantar hyperkeratosis-laryngeal dyskeratosis syndrome; Autoinflammation with arthritis and dyskeratosis; Respiratory papillomatosis, juvenile recurrent, congenital. Last evaluated: 2022-04-05. Review status: criteria provided, single submitter. Criteria: ACMG Guidelines, 2015. Collection method: clinical testing. Allele origin: unknown.

PreventionGenetics, part of Exact Sciences
Classification: Likely benign for NLRP1-related condition. Last evaluated: 2024-09-17. Review status: no assertion criteria provided. Collection method: clinical testing. Allele origin: germline. Not counted in ClinVar's aggregate classification.
Comment: This variant is classified as likely benign based on ACMG/AMP sequence variant interpretation guidelines (Richards et al. 2015 PMID: 25741868, with internal and published modifications).

NM_033004.4(NLRP1):c.272-7C>G

Gene: NLRP1 (NLR family pyrin domain containing 1; minus strand). Cytogenetic location: 17p13.2.
Variant type: single nucleotide variant.
Coding change: c.272-7C>G on transcript NM_033004.4 (MANE Select); 7 bases into the intron before coding-DNA position 272, C replaced by G.
Molecular consequence: intron variant.
Genome position (GRCh38, 1-based): chr17:5,582,853, G>C on the plus strand (C>G on the coding strand, the complement: NLRP1 is on the minus strand). VCF-style: chr17-5582853-G-C. GRCh37 (hg19) VCF-style: chr17-5486173-G-C.
Other names: c.272-7C>G (NM_001033053.3, NM_033007.4, NM_033006.4 and 1 more transcripts).
Identifiers: ClinVar variation 734173 (VCV000734173.12), dbSNP rs202080927, ClinGen allele CA8327619.